The following is an entry in ClinVar:

NM_001386298.1(CIC):c.4497C>G (p.Phe1499Leu)

Gene: CIC (capicua transcriptional repressor; plus strand). Cytogenetic location: 19q13.2.
Variant type: single nucleotide variant.
Coding change: c.4497C>G on transcript NM_001386298.1 (MANE Select); coding-DNA position 4497, C replaced by G.
Protein change: p.Phe1499Leu; replaces phenylalanine 1499 with leucine.
Molecular consequence: missense variant.
Genome position (GRCh38, 1-based): chr19:42,290,538, C>G. VCF-style: chr19-42290538-C-G. GRCh37 (hg19) VCF-style: chr19-42794690-C-G.
Other names: c.4497C>G, p.Phe1499Leu (NM_001304815.2, NM_001379480.1, NM_001379482.1 and 1 more transcripts); c.1770C>G, p.Phe590Leu (NM_001379484.1, NM_001379485.1, NM_015125.5); short protein forms F1499L, F590L.
Identifiers: ClinVar variation 2577671 (VCV002577671.1), dbSNP rs1943195387, ClinGen allele CA406107218.

ClinVar aggregate classification (germline): Uncertain significance (1 of 4 stars; one submission).

Submission:

GeneDx
Classification: Uncertain significance. Last evaluated: 2023-02-23. Review status: criteria provided, single submitter. Criteria: GeneDx Variant Classification Process June 2021. Collection method: clinical testing. Allele origin: germline. Affected: yes.
Comment: Not observed at significant frequency in large population cohorts (gnomAD); In silico analysis supports that this missense variant does not alter protein structure/function; Has not been previously published as pathogenic or benign to our knowledge